The following is an entry in ClinVar:

ClinVar aggregate classification (germline): Likely benign. Review status: criteria provided, multiple submitters, no conflicts (2 of 4 stars). 3 submissions from 3 submitters: Likely benign (2). 1 of the submissions does not count toward it. Last evaluated 2026-09-01.

Conditions:
BSND-related disorder. Also called: BSND-related condition.

Allele frequency attached by ClinVar (database versions not stated): ExAC 0.00010; gnomAD exomes 0.00010 and 0.00020; ESP Exome Variant Server 0.00015; TOPMed 0.00015; gnomAD 0.00019; 1000 Genomes Project 0.00060; 1000 Genomes Project 30x 0.00062.
gnomAD v4.1: 323 of 1,614,222 alleles (0.02%); highest among the groups gnomAD compares: Non-Finnish European, 0.024%; 1 homozygote.

Submissions (3):

CeGaT Center for Human Genetics Tuebingen
Classification: Likely benign. Last evaluated: 2026-09-01. Review status: criteria provided, single submitter. Criteria: CeGaT Center For Human Genetics Tuebingen Variant Classification Criteria Version 2. Collection method: clinical testing. Allele origin: germline. Affected: yes. Observed: 1 variant allele.
Comment: BSND: BP4, BP7

Labcorp Genetics (formerly Invitae), Labcorp
Classification: Likely benign. Last evaluated: 2026-02-04. Review status: criteria provided, single submitter. Criteria: Invitae Variant Classification Sherloc (09022015). Collection method: clinical testing. Allele origin: germline.

PreventionGenetics, part of Exact Sciences
Classification: Likely benign for BSND-related condition. Last evaluated: 2019-07-15. Review status: no assertion criteria provided. Collection method: clinical testing. Allele origin: germline. Not counted in ClinVar's aggregate classification.
Comment: This variant is classified as likely benign based on ACMG/AMP sequence variant interpretation guidelines (Richards et al. 2015 PMID: 25741868, with internal and published modifications).

NM_057176.3(BSND):c.702G>A (p.Pro234=)

Gene: BSND (barttin CLCNK type accessory subunit beta; plus strand). Cytogenetic location: 1p32.3.
Variant type: single nucleotide variant.
Coding change: c.702G>A on transcript NM_057176.3 (MANE Select); coding-DNA position 702, G replaced by A.
Protein change: p.Pro234=; no amino-acid change (proline 234 retained).
Molecular consequence: synonymous variant.
Genome position (GRCh38, 1-based): chr1:55,008,367, G>A. VCF-style: chr1-55008367-G-A. GRCh37 (hg19) VCF-style: chr1-55474040-G-A.
Other names: c.702G>A (NM_057176.2).
Identifiers: ClinVar variation 1118088 (VCV001118088.12), dbSNP rs148085906, ClinGen allele CA871400.